The following is an entry in ClinVar:

NM_001376.5(DYNC1H1):c.13196A>G (p.Lys4399Arg)

Gene: DYNC1H1 (dynein cytoplasmic 1 heavy chain 1; plus strand). Cytogenetic location: 14q32.31.
Variant type: single nucleotide variant.
Coding change: c.13196A>G on transcript NM_001376.5 (MANE Select); coding-DNA position 13196, A replaced by G.
Protein change: p.Lys4399Arg; replaces lysine 4399 with arginine.
Molecular consequence: missense variant.
Genome position (GRCh38, 1-based): chr14:102,048,006, A>G. VCF-style: chr14-102048006-A-G. GRCh37 (hg19) VCF-style: chr14-102514343-A-G.
Other names: short protein forms K4399R.
Identifiers: ClinVar variation 245701 (VCV000245701.3), dbSNP rs879253906, ClinGen allele CA10584480.
Genomic context (GRCh38, chr14:102,048,006, plus strand): 5'-CACTGCACACCACCGCGTCCAACTGGCTGCACCTCATCCCCCAGACGCTGAGCCACCTCA[A>G]GCGCACCGTGGAGAATATCAAGGTAGCTGGGAGGGTGGCGGGCCGGCCAGGTCTCAAGGT-3'
Protein context (NP_001367.2, residues 4389-4409): HLIPQTLSHL[Lys4399Arg]RTVENIKDPL

ClinVar aggregate classification (germline): Uncertain significance. Review status: criteria provided, multiple submitters, no conflicts (2 of 4 stars). 2 submissions from 2 submitters: Uncertain significance (2). Last evaluated 2025-10-26.

Conditions:
Charcot-Marie-Tooth disease axonal type 2O. Also called: CHARCOT-MARIE-TOOTH NEUROPATHY, AXONAL, TYPE 2O; CHARCOT-MARIE-TOOTH DISEASE, AXONAL, AUTOSOMAL DOMINANT, TYPE 2O; Charcot-Marie-Tooth Neuropathy Type 2O; Charcot-Marie-Tooth disease, axonal, type 20. Identifiers: Orphanet 284232, MedGen C3280220, MONDO:0013644, OMIM 614228.

Allele frequency attached by ClinVar (database versions not stated): TOPMed below 0.00001; gnomAD 0.00001.
gnomAD v4.1: 2 of 1,611,668 alleles (0.00012%); highest among the groups gnomAD compares: African/African-American, 0.0013%; no homozygotes.

Submissions (2):

Labcorp Genetics (formerly Invitae), Labcorp
Classification: Uncertain significance for Charcot-Marie-Tooth disease axonal type 2O. Last evaluated: 2025-10-26. Review status: criteria provided, single submitter. Criteria: Invitae Variant Classification Sherloc (09022015). Collection method: clinical testing. Allele origin: germline.
Comment: This sequence change replaces lysine, which is basic and polar, with arginine, which is basic and polar, at codon 4399 of the DYNC1H1 protein (p.Lys4399Arg). This variant is not present in population databases (gnomAD no frequency). This variant has not been reported in the literature in individuals affected with DYNC1H1-related conditions. ClinVar contains an entry for this variant (Variation ID: 245701). Invitae Evidence Modeling of protein sequence and biophysical properties (such as structural, functional, and spatial information, amino acid conservation, physicochemical variation, residue mobility, and thermodynamic stability) indicates that this missense variant is not expected to disrupt DYNC1H1 protein function with a negative predictive value of 95%. In summary, the available evidence is currently insufficient to determine the role of this variant in disease. Therefore, it has been classified as a Variant of Uncertain Significance.

GeneDx
Classification: Uncertain significance. Last evaluated: 2018-12-10. Review status: criteria provided, single submitter. Criteria: GeneDx Variant Classification (06012015). Collection method: clinical testing. Allele origin: germline. Affected: yes.
Comment: The K4399R variant in the DYNC1H1 gene has not been published as a mutation, nor has it been reported as a benign polymorphism to our knowledge. The K4399R variant was not observed in approximately 6500 individuals of European and African American ancestry in the NHLBI Exome Sequencing Project, indicating it is not a common benign variant in these populations. The K4399R variant is a conservative amino acid substitution, which is not likely to impact secondary protein structure as these residues share similar properties. This substitution occurs at a position that is conserved across species. In silico analysis is inconsistent in its predictions as to whether or not the variant is damaging to the protein structure/function. We interpret K4399R as a variant of unknown significance